The following is an entry in ClinVar:

ClinVar aggregate classification (germline): Likely pathogenic (1 of 4 stars; one submission).

Conditions:
Familial hypokalemia-hypomagnesemia (GTLMNS). Also called: POTASSIUM AND MAGNESIUM DEPLETION; HYPOMAGNESEMIA-HYPOKALEMIA, PRIMARY RENOTUBULAR, WITH HYPOCALCIURIA; gitelman syndrome. Identifiers: Orphanet 358, MedGen C0268450, MONDO:0009904, OMIM 263800.

Submission:

Juno Genomics, Hangzhou Juno Genomics, Inc
Classification: Likely pathogenic for Familial hypokalemia-hypomagnesemia. Review status: criteria provided, single submitter. Criteria: ACMG Guidelines, 2015. Collection method: clinical testing. Allele origin: germline.
Comment: Null variant in a gene where loss of function (LOF) is a known mechanism of disease.;Absent from controls (or at extremely low frequency if recessive) in Genome Aggregation Database.

NM_001126108.2(SLC12A3):c.2516del (p.Asp839fs)

Gene: SLC12A3 (solute carrier family 12 member 3; plus strand). Cytogenetic location: 16q13.
Variant type: Deletion.
Coding change: c.2516del on transcript NM_001126108.2 (MANE Select); coding-DNA position 2516, one base deleted (A; older notation c.2516delA).
Protein change: p.Asp839fs; shifts the reading frame from aspartic acid 839.
Molecular consequence: frameshift variant.
Genome position (GRCh38, 1-based): chr16:56,893,049, A deleted. VCF-style (leftmost placement, unchanged base first): chr16-56893048-GA-G. GRCh37 (hg19) VCF-style: chr16-56926960-GA-G.
Other names: c.2543del, p.Asp848fs (NM_000339.3); c.2540del, p.Asp847fs (NM_001126107.2); c.2513del, p.Asp838fs (NM_001410896.1); short protein forms D838fs, D847fs, D839fs, D848fs.
Identifiers: ClinVar variation 5005607 (VCV005005607.2).